The following is an entry in ClinVar:

ClinVar aggregate classification (germline): Likely benign. Review status: criteria provided, multiple submitters, no conflicts (2 of 4 stars). 2 submissions from 2 submitters: Likely benign (2). Last evaluated 2022-09-02.

Allele frequency attached by ClinVar (database versions not stated): gnomAD 0.00002 and 0.00003; TOPMed 0.00006; gnomAD exomes 0.00007; ExAC 0.00008; ESP Exome Variant Server 0.00008.
gnomAD v4.1: 103 of 1,614,060 alleles (0.0064%); highest among the groups gnomAD compares: Non-Finnish European, 0.008%; no homozygotes.

Submissions (2):

Labcorp Genetics (formerly Invitae), Labcorp
Classification: Likely benign. Last evaluated: 2022-09-02. Review status: criteria provided, single submitter. Criteria: Invitae Variant Classification Sherloc (09022015). Collection method: clinical testing. Allele origin: germline.

Laboratory for Molecular Medicine, Mass General Brigham Personalized Medicine
Classification: Likely benign. Last evaluated: 2017-06-06. Review status: criteria provided, single submitter. Criteria: LMM Criteria. Collection method: clinical testing. Allele origin: germline. Observed: 1 variant allele.
Comment: p.Tyr314Tyr in exon 7 of TSPEAR: This variant is not expected to have clinical s ignificance because it does not alter an amino acid residue and is not located w ithin the splice consensus sequence. It has been identified in 15/126700 Europea n chromosomes by the Genome Aggregation Database (gnomAD; dbSNP rs146600721).

NM_144991.3(TSPEAR):c.942C>T (p.Tyr314=)

Gene: TSPEAR (thrombospondin type laminin G domain and EAR repeats; minus strand). Cytogenetic location: 21q22.3.
Variant type: single nucleotide variant.
Coding change: c.942C>T on transcript NM_144991.3 (MANE Select); coding-DNA position 942, C replaced by T.
Protein change: p.Tyr314=; no amino-acid change (tyrosine 314 retained).
Molecular consequence: synonymous variant.
Genome position (GRCh38, 1-based): chr21:44,527,499, G>A on the plus strand (C>T on the coding strand, the complement: TSPEAR is on the minus strand). VCF-style: chr21-44527499-G-A. GRCh37 (hg19) VCF-style: chr21-45947382-G-A.
Other names: c.738C>T, p.Tyr246= (NM_001272037.2).
Identifiers: ClinVar variation 504827 (VCV000504827.9), dbSNP rs146600721, ClinGen allele CA10056773.